The following is an entry in ClinVar:

NM_025219.3(DNAJC5):c.228C>T (p.Tyr76=)

Gene: DNAJC5 (DnaJ heat shock protein family (Hsp40) member C5; plus strand). Cytogenetic location: 20q13.33.
Variant type: single nucleotide variant.
Coding change: c.228C>T on transcript NM_025219.3 (MANE Select); coding-DNA position 228, C replaced by T.
Protein change: p.Tyr76=; no amino-acid change (tyrosine 76 retained).
Molecular consequence: synonymous variant.
Genome position (GRCh38, 1-based): chr20:63,929,432, C>T. VCF-style: chr20-63929432-C-T. GRCh37 (hg19) VCF-style: chr20-62560785-C-T.
Identifiers: ClinVar variation 241601 (VCV000241601.16), dbSNP rs201495666, ClinGen allele CA9969674.
Genomic context (GRCh38, chr20:63,929,432, plus strand): 5'-GTTTAAGGAGATCAACAACGCGCACGCCATCCTCACGGACGCCACAAAAAGGAACATCTA[C>T]GACAAGTACGGCTCGCTGGGTCTCTACGTGGCCGAGCAGTTTGGGGAAGAGAACGTGAAC-3'
Protein context (NP_079495.1, residues 66-86): ILTDATKRNI[Tyr76=]DKYGSLGLYV

ClinVar aggregate classification (germline): Benign/Likely benign. Review status: criteria provided, multiple submitters, no conflicts (2 of 4 stars). 5 submissions from 5 submitters: Benign (2); Likely benign (3). Last evaluated 2026-02-03.

Conditions:
Inborn genetic diseases. Identifiers: MedGen C0950123, MeSH D030342.
Neuronal ceroid lipofuscinosis. Also called: Neuronal Ceroid Lipofuscinoses. Identifiers: Orphanet 216, Orphanet 79263, MedGen C0027877, MONDO:0016295. Disease mechanism: loss of function.

Allele frequency attached by ClinVar (database versions not stated): gnomAD 0.00031 and 0.00029; gnomAD exomes 0.00043 and 0.00016; TOPMed 0.00046; 1000 Genomes Project 30x 0.00078; 1000 Genomes Project 0.00080; ExAC 0.00028.
gnomAD v4.1: 294 of 1,614,222 alleles (0.018%); highest among the groups gnomAD compares: Admixed American, 0.17%; no homozygotes.

Submissions (5):

Labcorp Genetics (formerly Invitae), Labcorp
Classification: Benign for Neuronal ceroid lipofuscinosis. Last evaluated: 2026-02-03. Review status: criteria provided, single submitter. Criteria: Invitae Variant Classification Sherloc (09022015). Collection method: clinical testing. Allele origin: germline.

Blueprint Genetics
Classification: Likely benign. Last evaluated: 2024-10-11. Review status: criteria provided, single submitter. Criteria: ACMG Guidelines, 2015. Collection method: clinical testing. Allele origin: germline.

Ambry Genetics
Classification: Likely benign for Inborn genetic diseases. Last evaluated: 2017-10-04. Review status: criteria provided, single submitter. Criteria: Ambry Variant Classification Scheme 2023. Collection method: clinical testing. Allele origin: germline.

GeneDx
Classification: Benign. Last evaluated: 2015-09-25. Review status: criteria provided, single submitter. Criteria: GeneDx Variant Classification (06012015). Collection method: clinical testing. Allele origin: germline. Affected: yes.
Comment: This variant is considered likely benign or benign based on one or more of the following criteria: it is a conservative change, it occurs at a poorly conserved position in the protein, it is predicted to be benign by multiple in silico algorithms, and/or has population frequency not consistent with disease.

Breakthrough Genomics
Classification: Likely benign. Review status: criteria provided, single submitter. Criteria: ACMG Guidelines, 2015. Collection method: not provided. Allele origin: germline. Inheritance: Autosomal dominant inheritance. Affected: yes.